The following is an entry in ClinVar:

NM_001349253.2(SCN11A):c.4187C>A (p.Ser1396Tyr)

Gene: SCN11A (sodium voltage-gated channel alpha subunit 11; minus strand). Cytogenetic location: 3p22.2.
Variant type: single nucleotide variant.
Coding change: c.4187C>A on transcript NM_001349253.2 (MANE Select); coding-DNA position 4187, C replaced by A.
Protein change: p.Ser1396Tyr; replaces serine 1396 with tyrosine.
Molecular consequence: missense variant.
Genome position (GRCh38, 1-based): chr3:38,850,621, G>T on the plus strand (C>A on the coding strand, the complement: SCN11A is on the minus strand). VCF-style: chr3-38850621-G-T. GRCh37 (hg19) VCF-style: chr3-38892112-G-T.
Other names: c.4187C>A, p.Ser1396Tyr (NM_014139.3); short protein forms S1396Y.
Identifiers: ClinVar variation 2197915 (VCV002197915.4), dbSNP rs113430689, ClinGen allele CA2321579.

ClinVar aggregate classification (germline): Uncertain significance (1 of 4 stars; one submission).

Conditions:
Hereditary sensory and autonomic neuropathy type 7. Also called: Neuropathy, hereditary sensory and autonomic, type VII; HSAN VII. Identifiers: Orphanet 391397, MedGen C3809882, MONDO:0014244, OMIM 615548.
Familial episodic pain syndrome with predominantly lower limb involvement. Also called: Episodic pain syndrome, familial, 3. Identifiers: Orphanet 391384, Orphanet 391392, MedGen C3809899, MONDO:0014247, OMIM 615552.

Allele frequency attached by ClinVar (database versions not stated): TOPMed below 0.00001; ExAC 0.00001.
gnomAD v4.1: 7 of 1,613,978 alleles (0.00043%); highest among the groups gnomAD compares: African/African-American, 0.004%; no homozygotes.

Submission:

Labcorp Genetics (formerly Invitae), Labcorp
Classification: Uncertain significance for Familial episodic pain syndrome with predominantly lower limb involvement; Hereditary sensory and autonomic neuropathy type 7. Last evaluated: 2022-03-12. Review status: criteria provided, single submitter. Criteria: Invitae Variant Classification Sherloc (09022015). Collection method: clinical testing. Allele origin: germline.
Comment: In summary, the available evidence is currently insufficient to determine the role of this variant in disease. Therefore, it has been classified as a Variant of Uncertain Significance. Algorithms developed to predict the effect of missense changes on protein structure and function are either unavailable or do not agree on the potential impact of this missense change (SIFT: "Deleterious"; PolyPhen-2: "Benign"; Align-GVGD: "Class C0"). This variant has not been reported in the literature in individuals affected with SCN11A-related conditions. This variant is present in population databases (rs113430689, gnomAD 0.003%). This sequence change replaces serine, which is neutral and polar, with tyrosine, which is neutral and polar, at codon 1396 of the SCN11A protein (p.Ser1396Tyr).